The following is an entry in ClinVar:

ClinVar aggregate classification (germline): Uncertain significance (1 of 4 stars; one submission).

Submission:

GeneDx
Classification: Uncertain significance. Last evaluated: 2024-11-04. Review status: criteria provided, single submitter. Criteria: GeneDx Variant Classification Process June 2021. Collection method: clinical testing. Allele origin: germline. Affected: yes.
Comment: Not observed at significant frequency in large population cohorts (gnomAD); In silico analysis indicates that this missense variant does not alter protein structure/function; Has not been previously published as pathogenic or benign to our knowledge

NM_015559.3(SETBP1):c.1869A>T (p.Arg623Ser)

Gene: SETBP1 (SET binding protein 1; plus strand). Cytogenetic location: 18q12.3.
Variant type: single nucleotide variant.
Coding change: c.1869A>T on transcript NM_015559.3 (MANE Select); coding-DNA position 1869, A replaced by T.
Protein change: p.Arg623Ser; replaces arginine 623 with serine.
Molecular consequence: missense variant.
Genome position (GRCh38, 1-based): chr18:44,951,209, A>T. VCF-style: chr18-44951209-A-T. GRCh37 (hg19) VCF-style: chr18-42531174-A-T.
Other names: c.1869A>T, p.Arg623Ser (NM_001379141.1, NM_001379142.1, NM_001410862.1); short protein forms R623S.
Identifiers: ClinVar variation 1712099 (VCV001712099.3), dbSNP rs2511469504, ClinGen allele CA402319750.
Genomic context (GRCh38, chr18:44,951,209, plus strand): 5'-GGGAACTTCCACCAGCCCCGTCAGTCCCATCAGCCGAGAGTTTCCTGGCACTAAGAAAAG[A>T]AAGCGACGACGCAATTTAGCGAAGTTGGCCCAGCTAGTGCCGGGAGAGGACAAACCCATG-3'
Protein context (NP_056374.2, residues 613-633): ISREFPGTKK[Arg623Ser]KRRRNLAKLA